The following is an entry in ClinVar:

ClinVar aggregate classification (germline): Uncertain significance (1 of 4 stars; one submission).

Submission:

Labcorp Genetics (formerly Invitae), Labcorp
Classification: Uncertain significance. Last evaluated: 2025-08-28. Review status: criteria provided, single submitter. Criteria: Invitae Variant Classification Sherloc (09022015). Collection method: clinical testing. Allele origin: germline.
Comment: This sequence change replaces glutamic acid, which is acidic and polar, with lysine, which is basic and polar, at codon 156 of the BCS1L protein (p.Glu156Lys). This variant is present in population databases (no rsID available, gnomAD 0.003%). This variant has not been reported in the literature in individuals affected with BCS1L-related conditions. ClinVar contains an entry for this variant (Variation ID: 1986954). Invitae Evidence Modeling of protein sequence and biophysical properties (such as structural, functional, and spatial information, amino acid conservation, physicochemical variation, residue mobility, and thermodynamic stability) indicates that this missense variant is not expected to disrupt BCS1L protein function with a negative predictive value of 95%. In summary, the available evidence is currently insufficient to determine the role of this variant in disease. Therefore, it has been classified as a Variant of Uncertain Significance.

NM_001079866.2(BCS1L):c.466G>A (p.Glu156Lys)

Gene: BCS1L (BCS1 ubiquinol-cytochrome c reductase complex chaperone; plus strand). Cytogenetic location: 2q35.
Variant type: single nucleotide variant.
Coding change: c.466G>A on transcript NM_001079866.2 (MANE Select); coding-DNA position 466, G replaced by A.
Protein change: p.Glu156Lys; replaces glutamic acid 156 with lysine.
Molecular consequence: missense variant. On other transcripts: 5 prime UTR variant (6), non-coding transcript variant (1).
Genome position (GRCh38, 1-based): chr2:218,661,764, G>A. VCF-style: chr2-218661764-G-A. GRCh37 (hg19) VCF-style: chr2-219526487-G-A.
Other names: c.466G>A, p.Glu156Lys (NM_001257342.2, NM_001257343.2, NM_001257344.2 and 10 more transcripts); c.106G>A, p.Glu36Lys (NM_001318836.2, NM_001371451.1); c.-36G>A (NM_001371452.1, NM_001371453.1, NM_001371454.1 and 3 more transcripts); short protein forms E156K, E36K.
Identifiers: ClinVar variation 1986954 (VCV001986954.3), dbSNP rs1208962188, ClinGen allele CA350626864.